The following is an entry in ClinVar:

NC_000012.11:g.(?_6438478)_(8248686_?)dup

Genes: ACRBP (acrosin binding protein; minus strand), ACSM4 (acyl-CoA synthetase medium chain family member 4; plus strand), APOBEC1 (apolipoprotein B mRNA editing enzyme catalytic subunit 1; minus strand), ATN1 (atrophin 1; plus strand), C12orf57 (chromosome 12 open reading frame 57; plus strand) and 54 more. Cytogenetic location: 12p13.31.
Variant type: Duplication.
Identifiers: ClinVar variation 1409561 (VCV001409561.37).

ClinVar aggregate classification (germline): Uncertain significance. Review status: criteria provided, single submitter (1 of 4 stars). 2 submissions from 1 submitter: Uncertain significance (1). 1 of the submissions does not count toward it. Last evaluated 2022-06-13.

Conditions:
Temtamy syndrome (TEMTYS). Also called: MENTAL RETARDATION WITH OR WITHOUT CRANIOFACIAL DYSMORPHISM, OCULAR COLOBOMA, OR ABNORMAL CORPUS CALLOSUM. Identifiers: Orphanet 1777, MedGen C1857512, MONDO:0009033, OMIM 218340.

Submissions (2):

Labcorp Genetics (formerly Invitae), Labcorp
Classification: Uncertain significance for Temtamy syndrome. Last evaluated: 2022-06-13. Review status: criteria provided, single submitter. Criteria: Invitae Variant Classification Sherloc (09022015). Collection method: clinical testing. Allele origin: germline.
Comment: A copy number gain of the genomic region encompassing the full coding sequence of the C12orf57 gene has been identified. The boundaries of this event are unknown as they extend beyond the assayed region for this gene and therefore may encompass additional genes. As the precise location of this event is unknown, it may be in tandem or it may be located elsewhere in the genome. This variant has not been reported in the literature in individuals affected with C12orf57-related conditions. In summary, the available evidence is currently insufficient to determine the role of this variant in disease. Therefore, it has been classified as a Variant of Uncertain Significance.

Labcorp Genetics (formerly Invitae), Labcorp
Classification: Uncertain significance. Last evaluated: 2022-07-12. Review status: flagged submission. Criteria: Invitae Variant Classification Sherloc (09022015). Collection method: clinical testing. Allele origin: germline. Not counted in ClinVar's aggregate classification.
Comment: A copy number gain of the genomic region encompassing the full coding sequence of the TPI1 gene has been identified. The boundaries of this event are unknown as they extend beyond the assayed region for this gene and therefore may encompass additional genes. As the precise location of this event is unknown, it may be in tandem or it may be located elsewhere in the genome. This variant has not been reported in the literature in individuals affected with TPI1-related conditions. Experimental studies and prediction algorithms are not available or were not evaluated, and the functional significance of this variant is currently unknown. In summary, the available evidence is currently insufficient to determine the role of this variant in disease. Therefore, it has been classified as a Variant of Uncertain Significance.
ClinVar note: Reason: This record appears to be redundant with a more recent record from the same submitter.
ClinVar note: Notes: SCV002186733 appears to be redundant with SCV003796308.